The following is an entry in ClinVar:

ClinVar aggregate classification (germline): Uncertain significance (1 of 4 stars; one submission).

Conditions:
Familial adenomatous polyposis 1 (FAP1). Also called: FAMILIAL ADENOMATOUS POLYPOSIS 1, ATTENUATED; POLYPOSIS, ADENOMATOUS INTESTINAL. Identifiers: MedGen C2713442, MONDO:0021056, OMIM 175100. Disease mechanism: loss of function.

Submission:

Labcorp Genetics (formerly Invitae), Labcorp
Classification: Uncertain significance for Familial adenomatous polyposis 1. Last evaluated: 2021-09-15. Review status: criteria provided, single submitter. Criteria: Invitae Variant Classification Sherloc (09022015). Collection method: clinical testing. Allele origin: germline.
Comment: In summary, the available evidence is currently insufficient to determine the role of this variant in disease. Therefore, it has been classified as a Variant of Uncertain Significance. Experimental studies and prediction algorithms are not available or were not evaluated, and the functional significance of this variant is currently unknown. This variant has not been reported in the literature in individuals affected with APC-related conditions. The frequency data for this variant in the population databases is considered unreliable, as metrics indicate insufficient coverage at this position in the ExAC database. This variant occurs in a non-coding region of the APC gene. It does not change the encoded amino acid sequence of the APC protein.

NC_000005.10:g.112707348A>C

Gene: APC (APC regulator of Wnt signaling pathway; plus strand). Cytogenetic location: 5q22.2.
Variant type: single nucleotide variant.
Genome position: GRCh38 VCF-style: chr5-112707348-A-C. GRCh37 (hg19) VCF-style: chr5-112043045-A-C.
Identifiers: ClinVar variation 1475030 (VCV001475030.6), dbSNP rs887610659, ClinGen allele CA2573138736.
Genomic context (GRCh38, chr5:112,707,348, plus strand): 5'-GTGCAGAAGGATCTATTAACTGGGCTGCAGCACAATTCAGAGAAGGCCAGTAAGTGCTGC[A>C]ACTGAGACTCGGCTGCCTAGGCAGCAATGGCTCACGGGACAGAACAGCGAAGCAGTGCCC-3'